The following is an entry in ClinVar:

NM_001386140.1(MTTP):c.1862T>C (p.Ile621Thr)

Gene: MTTP (microsomal triglyceride transfer protein; plus strand). Cytogenetic location: 4q23.
Variant type: single nucleotide variant.
Coding change: c.1862T>C on transcript NM_001386140.1 (MANE Select); coding-DNA position 1862, T replaced by C.
Protein change: p.Ile621Thr; replaces isoleucine 621 with threonine.
Molecular consequence: missense variant.
Genome position (GRCh38, 1-based): chr4:99,611,235, T>C. VCF-style: chr4-99611235-T-C. GRCh37 (hg19) VCF-style: chr4-100532392-T-C.
Other names: c.1862T>C, p.Ile621Thr (NM_000253.4); c.1613T>C, p.Ile538Thr (NM_001300785.2); short protein forms I538T, I621T.
Identifiers: ClinVar variation 2152686 (VCV002152686.2), dbSNP rs1462140037, ClinGen allele CA357514799.

ClinVar aggregate classification (germline): Uncertain significance. Review status: criteria provided, multiple submitters, no conflicts (2 of 4 stars). 2 submissions from 2 submitters: Uncertain significance (2). Last evaluated 2025-08-11.

Conditions:
Abetalipoproteinaemia (ABL). Also called: MTP DEFICIENCY; Abetalipoproteinemia; Abetalipoproteinemia neuropathy; Apolipoprotein B deficiency; Congenital betalipoprotein deficiency syndrome. Identifiers: Orphanet 14, MedGen C0000744, MONDO:0008692, OMIM 200100, HP:0008181.

Allele frequency attached by ClinVar (database versions not stated): gnomAD exomes below 0.00001; TOPMed below 0.00001; gnomAD 0.00001.
gnomAD v4.1: 6 of 1,613,784 alleles (0.00037%); highest among the groups gnomAD compares: African/African-American, 0.004%; no homozygotes.

Submissions (2):

Myriad Genetics, Inc.
Classification: Uncertain significance for Abetalipoproteinaemia. Last evaluated: 2025-08-11. Review status: criteria provided, single submitter. Criteria: Myriad Autosomal Dominant, Autosomal Recessive and X-Linked Classification Criteria (2023). Collection method: clinical testing. Allele origin: unknown.
Comment: NM_000253.2(MTTP):c.1862T>C(I621T) is a missense variant classified as a variant of uncertain significance in the context of abetalipoproteinemia. I621T has been observed in a case with relevant disease (PMID: 38749717). Relevant functional assessments of this variant are not available in the literature. I621T has been observed in referenced population frequency databases. In summary, there is insufficient evidence to classify NM_000253.2(MTTP):c.1862T>C(I621T) as pathogenic or benign. Please note: this variant was assessed in the context of healthy population screening.

Labcorp Genetics (formerly Invitae), Labcorp
Classification: Uncertain significance. Last evaluated: 2022-07-05. Review status: criteria provided, single submitter. Criteria: Invitae Variant Classification Sherloc (09022015). Collection method: clinical testing. Allele origin: germline.
Comment: This sequence change replaces isoleucine, which is neutral and non-polar, with threonine, which is neutral and polar, at codon 621 of the MTTP protein (p.Ile621Thr). This variant is present in population databases (no rsID available, gnomAD 0.02%). This variant has not been reported in the literature in individuals affected with MTTP-related conditions. Algorithms developed to predict the effect of missense changes on protein structure and function (SIFT, PolyPhen-2, Align-GVGD) all suggest that this variant is likely to be tolerated. Algorithms developed to predict the effect of sequence changes on RNA splicing suggest that this variant may create or strengthen a splice site. In summary, the available evidence is currently insufficient to determine the role of this variant in disease. Therefore, it has been classified as a Variant of Uncertain Significance.

Literature cited by the submitters: PubMed 38749717 (cited by Myriad Genetics, Inc.).